The following is an entry in ClinVar:

ClinVar aggregate classification (germline): Uncertain significance (1 of 4 stars; one submission).

Conditions:
Inborn genetic diseases. Identifiers: MedGen C0950123, MeSH D030342.

Submission:

Ambry Genetics
Classification: Uncertain significance for Inborn genetic diseases. Last evaluated: 2025-05-28. Review status: criteria provided, single submitter. Criteria: Ambry Variant Classification Scheme 2023. Collection method: clinical testing. Allele origin: germline.
Comment: The p.T1397A variant (also known as c.4189A>G), located in coding exon 42 of the FANCA gene, results from an A to G substitution at nucleotide position 4189. The threonine at codon 1397 is replaced by alanine, an amino acid with similar properties. This amino acid position is conserved. In addition, this alteration is predicted to be tolerated by in silico analysis. Based on the available evidence, the clinical significance of this variant remains unclear.

NM_000135.4(FANCA):c.4189A>G (p.Thr1397Ala)

Genes: FANCA (FA complementation group A; minus strand), ZNF276 (zinc finger protein 276; plus strand). Cytogenetic location: 16q24.3.
Variant type: single nucleotide variant.
Coding change: c.4189A>G on transcript NM_000135.4 (MANE Select); coding-DNA position 4189, A replaced by G.
Protein change: p.Thr1397Ala; replaces threonine 1397 with alanine.
Molecular consequence: missense variant. On other transcripts: 3 prime UTR variant (2), non-coding transcript variant (4).
Genome position (GRCh38, 1-based): chr16:89,738,953, T>C on the plus strand (A>G on the coding strand, the complement: FANCA is on the minus strand). VCF-style: chr16-89738953-T-C. GRCh37 (hg19) VCF-style: chr16-89805361-T-C.
Other names: c.4193A>G, p.Asn1398Ser (NM_001286167.3); c.*707T>C (NM_001113525.2, NM_152287.4); short protein forms N1398S, T1397A.
Identifiers: ClinVar variation 4022321 (VCV004022321.1).
Genomic context (GRCh38, chr16:89,738,953, plus strand): 5'-GTGAGAAGCTCTTTTTCGGGCACCGAGGTATTAACTGCAGCAGAAAAAGACGAGCTTTTG[T>C]TATCAGTTCCACGGGGTTGCCCTAGAGAGAAAACAGGCAAACTCACAGGTTAGAAGACAT-3'
Protein context (NP_000126.2, residues 1387-1407): KGQGNPVELI[Thr1397Ala]KARLFLLQLI